The following is an entry in ClinVar:

ClinVar aggregate classification (germline): Benign. Review status: criteria provided, single submitter (1 of 4 stars). 2 submissions from 2 submitters: Benign (1). 1 of the submissions does not count toward it. Last evaluated 2025-04-30.

Conditions:
APC2-related disorder. Also called: APC2-Related Disorders; APC2-related condition.

Allele frequency attached by ClinVar (database versions not stated): 1000 Genomes Project 30x 0.00156; TOPMed 0.00002; gnomAD 0.00019; 1000 Genomes Project 0.00200.
gnomAD v4.1: 535 of 1,603,792 alleles (0.033%); highest among the groups gnomAD compares: South Asian, 0.56%; 4 homozygotes.

Submissions (2):

Labcorp Genetics (formerly Invitae), Labcorp
Classification: Benign. Last evaluated: 2025-04-30. Review status: criteria provided, single submitter. Criteria: Invitae Variant Classification Sherloc (09022015). Collection method: clinical testing. Allele origin: germline.

PreventionGenetics, part of Exact Sciences
Classification: Likely benign for APC2-related condition. Last evaluated: 2019-02-24. Review status: no assertion criteria provided. Collection method: clinical testing. Allele origin: germline. Not counted in ClinVar's aggregate classification.
Comment: This variant is classified as likely benign based on ACMG/AMP sequence variant interpretation guidelines (Richards et al. 2015 PMID: 25741868, with internal and published modifications).

NM_005883.3(APC2):c.3654C>T (p.Pro1218=)

Gene: APC2 (APC regulator of Wnt signaling pathway 2; plus strand). Cytogenetic location: 19p13.3.
Variant type: single nucleotide variant.
Coding change: c.3654C>T on transcript NM_005883.3 (MANE Select); coding-DNA position 3654, C replaced by T.
Protein change: p.Pro1218=; no amino-acid change (proline 1218 retained).
Molecular consequence: synonymous variant.
Genome position (GRCh38, 1-based): chr19:1,466,955, C>T. VCF-style: chr19-1466955-C-T. GRCh37 (hg19) VCF-style: chr19-1466954-C-T.
Other names: c.3651C>T, p.Pro1217= (NM_001351273.1); c.3654C>T (NM_005883.2).
Identifiers: ClinVar variation 2742653 (VCV002742653.5), dbSNP rs529253816, ClinGen allele CA9045713.